The following is an entry in ClinVar:

ClinVar aggregate classification (germline): Uncertain significance. Review status: criteria provided, multiple submitters, no conflicts (2 of 4 stars). 3 submissions from 3 submitters: Uncertain significance (3). Last evaluated 2026-08-19.

Conditions:
CTSD-related disorder. Also called: CTSD-related condition.
Neuronal ceroid lipofuscinosis. Also called: Neuronal Ceroid Lipofuscinoses. Identifiers: Orphanet 216, Orphanet 79263, MedGen C0027877, MONDO:0016295. Disease mechanism: loss of function.

Allele frequency attached by ClinVar (database versions not stated): TOPMed below 0.00001; gnomAD 0.00001.
gnomAD v4.1: 22 of 1,613,340 alleles (0.0014%); highest among the groups gnomAD compares: Non-Finnish European, 0.0018%; no homozygotes.

Submissions (3):

PreventionGenetics, part of Exact Sciences
Classification: Uncertain significance for CTSD-related condition. Last evaluated: 2026-08-19. Review status: criteria provided, single submitter. Criteria: ACMG Guidelines, 2015. Collection method: clinical testing. Allele origin: germline.
Comment: The CTSD c.982C>G variant is predicted to result in the amino acid substitution p.Pro328Ala. To our knowledge, this variant has not been reported in the literature or in a large population database (gnomAD), indicating this variant is rare. At this time, the clinical significance of this variant is uncertain due to the absence of conclusive functional and genetic evidence.

Labcorp Genetics (formerly Invitae), Labcorp
Classification: Uncertain significance for Neuronal ceroid lipofuscinosis. Last evaluated: 2024-10-24. Review status: criteria provided, single submitter. Criteria: Invitae Variant Classification Sherloc (09022015). Collection method: clinical testing. Allele origin: germline.
Comment: This sequence change replaces proline, which is neutral and non-polar, with alanine, which is neutral and non-polar, at codon 328 of the CTSD protein (p.Pro328Ala). This variant is not present in population databases (gnomAD no frequency). This variant has not been reported in the literature in individuals affected with CTSD-related conditions. ClinVar contains an entry for this variant (Variation ID: 205342). Invitae Evidence Modeling of protein sequence and biophysical properties (such as structural, functional, and spatial information, amino acid conservation, physicochemical variation, residue mobility, and thermodynamic stability) indicates that this missense variant is not expected to disrupt CTSD protein function with a negative predictive value of 80%. In summary, the available evidence is currently insufficient to determine the role of this variant in disease. Therefore, it has been classified as a Variant of Uncertain Significance.

GeneDx
Classification: Uncertain significance. Last evaluated: 2012-07-13. Review status: criteria provided, single submitter. Criteria: GeneDx Variant Classification (06012015). Collection method: clinical testing. Allele origin: germline. Affected: yes.
Comment: p.Pro328Ala (CCC>GCC): c.982 C>G in exon 8 of the CTSD gene (NM_001909.3). The Pro328Ala missense change has not been published as a mutation, nor has it been reported as a benign polymorphism to our knowledge. The NHLBI ESP Exome Variant Project has not identified Pro328Ala in approximately 5,000 individuals of European or African American ethnicity, indicating that it is not a common benign variant in these populations. Although Alanine and Proline are both uncharged, non-polar amino acids, the gain of a Proline residue may alter the secondary structure of the protein. Pro328Ala alters a position that is not conserved across species or in related proteins, and multiple in silico algorithms predict it is not pathogenic. The currently available information suggests that Pro328Ala is likely a rare benign variant, but the possibility that it is disease-causing cannot be excluded at present. The variant is found in EPILEPSY panel(s).

NM_001909.5(CTSD):c.982C>G (p.Pro328Ala)

Gene: CTSD (cathepsin D; minus strand). Cytogenetic location: 11p15.5.
Variant type: single nucleotide variant.
Coding change: c.982C>G on transcript NM_001909.5 (MANE Select); coding-DNA position 982, C replaced by G.
Protein change: p.Pro328Ala; replaces proline 328 with alanine.
Molecular consequence: missense variant.
Genome position (GRCh38, 1-based): chr11:1,753,892, G>C on the plus strand (C>G on the coding strand, the complement: CTSD is on the minus strand). VCF-style: chr11-1753892-G-C. GRCh37 (hg19) VCF-style: chr11-1775122-G-C.
Other names: p.P328A:CCC>GCC; short protein forms P328A.
Identifiers: ClinVar variation 205342 (VCV000205342.4), dbSNP rs796052397, ClinGen allele CA314326.